The following is an entry in ClinVar:

NM_004612.4(TGFBR1):c.712G>A (p.Glu238Lys)

Gene: TGFBR1 (transforming growth factor beta receptor 1; plus strand). Cytogenetic location: 9q22.33.
Variant type: single nucleotide variant.
Coding change: c.712G>A on transcript NM_004612.4 (MANE Select); coding-DNA position 712, G replaced by A.
Protein change: p.Glu238Lys; replaces glutamic acid 238 with lysine.
Molecular consequence: missense variant. On other transcripts: non-coding transcript variant (4), intron variant (2).
Genome position (GRCh38, 1-based): chr9:99,137,996, G>A. VCF-style: chr9-99137996-G-A. GRCh37 (hg19) VCF-style: chr9-101900278-G-A.
Other names: c.481G>A, p.Glu161Lys (NM_001130916.3); c.724G>A, p.Glu242Lys (NM_001306210.2, NM_001407416.1); c.712G>A, p.Glu238Lys (NM_001407417.1); c.517G>A, p.Glu173Lys (NM_001407418.1, NM_001407419.1, NM_001407420.1 and 1 more transcripts); c.505G>A, p.Glu169Lys (NM_001407423.1, NM_001407424.1, NM_001407425.1 and 8 more transcripts); c.466G>A, p.Glu156Lys (NM_001407436.1); c.235G>A, p.Glu79Lys (NM_001407438.1); c.575-4540G>A (NM_001407435.1); and 1 more; short protein forms E169K, E79K, E156K, E161K, E173K, E238K, E242K.
Identifiers: ClinVar variation 4745037 (VCV004745037.1).
Genomic context (GRCh38, chr9:99,137,996, plus strand): 5'-GAAGTTTGGAGAGGAAAGTGGCGGGGAGAAGAAGTTGCTGTTAAGATATTCTCCTCTAGA[G>A]AAGAACGTTCGTGGTTCCGTGAGGCAGAGATTTATCAAACTGTAATGTTACGTCATGAAA-3'
Protein context (NP_004603.1, residues 228-248): EVAVKIFSSR[Glu238Lys]ERSWFREAEI

ClinVar aggregate classification (germline): Uncertain significance (1 of 4 stars; one submission).

Conditions:
Familial thoracic aortic aneurysm and aortic dissection (TAAD). Also called: Thoracic aortic aneurysms and dissections. Identifiers: Orphanet 91387, MedGen C4707243, MONDO:0019625.

Submission:

Labcorp Genetics (formerly Invitae), Labcorp
Classification: Uncertain significance for Familial thoracic aortic aneurysm and aortic dissection. Last evaluated: 2025-04-11. Review status: criteria provided, single submitter. Criteria: Invitae Variant Classification Sherloc (09022015). Collection method: clinical testing. Allele origin: germline.
Comment: This sequence change replaces glutamic acid, which is acidic and polar, with lysine, which is basic and polar, at codon 238 of the TGFBR1 protein (p.Glu238Lys). This variant is not present in population databases (gnomAD no frequency). This variant has not been reported in the literature in individuals affected with TGFBR1-related conditions. Invitae Evidence Modeling of protein sequence and biophysical properties (such as structural, functional, and spatial information, amino acid conservation, physicochemical variation, residue mobility, and thermodynamic stability) has been performed for this missense variant. However, the output from this modeling did not meet the statistical confidence thresholds required to predict the impact of this variant on TGFBR1 protein function. In summary, the available evidence is currently insufficient to determine the role of this variant in disease. Therefore, it has been classified as a Variant of Uncertain Significance.